The following is an entry in ClinVar:

ClinVar aggregate classification (germline): Uncertain significance (1 of 4 stars; one submission).

Conditions:
Symmetrical dyschromatosis of extremities (DSH). Also called: DYSCHROMATOSIS SYMMETRICA HEREDITARIA 1; Dyschromatosis symmetrica hereditaria; RETICULATE ACROPIGMENTATION OF DOHI; SYMMETRIC DYSCHROMATOSIS OF THE EXTREMITIES. Identifiers: Orphanet 41, MedGen C0406775, MONDO:0007483, OMIM 127400.
Aicardi-Goutieres syndrome 6 (AGS6). Identifiers: Orphanet 51, MedGen C3539013, MONDO:0014007, OMIM 615010.

Allele frequency attached by ClinVar (database versions not stated): gnomAD exomes below 0.00001; TOPMed below 0.00001.
gnomAD v4.1: 1 of 1,602,482 alleles (0.000062%); highest among the groups gnomAD compares: Non-Finnish European, 0.000085%; no homozygotes.

Submission:

Labcorp Genetics (formerly Invitae), Labcorp
Classification: Uncertain significance for Aicardi-Goutieres syndrome 6; Symmetrical dyschromatosis of extremities. Last evaluated: 2022-03-13. Review status: criteria provided, single submitter. Criteria: Invitae Variant Classification Sherloc (09022015). Collection method: clinical testing. Allele origin: germline.
Comment: Algorithms developed to predict the effect of missense changes on protein structure and function (SIFT, PolyPhen-2, Align-GVGD) all suggest that this variant is likely to be tolerated. This variant has not been reported in the literature in individuals affected with ADAR-related conditions. This variant is not present in population databases (gnomAD no frequency). This sequence change replaces arginine, which is basic and polar, with serine, which is neutral and polar, at codon 86 of the ADAR protein (p.Arg86Ser). In summary, the available evidence is currently insufficient to determine the role of this variant in disease. Therefore, it has been classified as a Variant of Uncertain Significance. Algorithms developed to predict the effect of sequence changes on RNA splicing suggest that this variant may disrupt the consensus splice site.

NM_001111.5(ADAR):c.258G>C (p.Arg86Ser)

Gene: ADAR (adenosine deaminase RNA specific; minus strand). Cytogenetic location: 1q21.3.
Variant type: single nucleotide variant.
Coding change: c.258G>C on transcript NM_001111.5 (MANE Select); coding-DNA position 258, G replaced by C.
Protein change: p.Arg86Ser; replaces arginine 86 with serine.
Molecular consequence: missense variant. On other transcripts: 5 prime UTR variant (3), splice donor variant (3).
Genome position (GRCh38, 1-based): chr1:154,602,384, C>G on the plus strand (G>C on the coding strand, the complement: ADAR is on the minus strand). VCF-style: chr1-154602384-C-G. GRCh37 (hg19) VCF-style: chr1-154574860-C-G.
Other names: c.-628G>C (NM_001025107.3, NM_001193495.2, NM_001365048.1); c.285G>C, p.Arg95Ser (NM_001365045.1); c.258G>C, p.Arg86Ser (NM_015840.4, NM_015841.4); c.-493+1G>C (NM_001365046.1, NM_001365049.1, NM_001365047.1); short protein forms R86S, R95S.
Identifiers: ClinVar variation 1938958 (VCV001938958.5), dbSNP rs902435951, ClinGen allele CA30810755.